The following is an entry in ClinVar:

ClinVar aggregate classification (germline): Likely benign (1 of 4 stars; one submission).

Allele frequency attached by ClinVar (database versions not stated): gnomAD 0.00001; gnomAD exomes 0.00001; TOPMed 0.00002.
gnomAD v4.1: 14 of 1,543,776 alleles (0.00091%); highest among the groups gnomAD compares: Middle Eastern, 0.018%; no homozygotes.

Submission:

GeneDx
Classification: Likely benign. Last evaluated: 2018-04-06. Review status: criteria provided, single submitter. Criteria: GeneDx Variant Classification (06012015). Collection method: clinical testing. Allele origin: germline. Affected: yes.
Comment: This variant is considered likely benign or benign based on one or more of the following criteria: it is a conservative change, it occurs at a poorly conserved position in the protein, it is predicted to be benign by multiple in silico algorithms, and/or has population frequency not consistent with disease.

NM_018006.5(TRMU):c.-26A>C

Gene: TRMU (tRNA mitochondrial 2-thiouridylase; plus strand). Cytogenetic location: 22q13.31.
Variant type: single nucleotide variant.
Coding change: c.-26A>C on transcript NM_018006.5 (MANE Select); 26 bases upstream of the start codon, A replaced by C.
Molecular consequence: 5 prime UTR variant. On other transcripts: non-coding transcript variant (2).
Genome position (GRCh38, 1-based): chr22:46,335,739, A>C. VCF-style: chr22-46335739-A-C. GRCh37 (hg19) VCF-style: chr22-46731636-A-C.
Other names: c.-261A>C (NM_001282782.2); c.-280A>C (NM_001282783.2, NM_001282784.2); c.-26A>C (NM_001282785.2).
Identifiers: ClinVar variation 678704 (VCV000678704.1), dbSNP rs898267377, ClinGen allele CA325155000.
Genomic context (GRCh38, chr22:46,335,739, plus strand): 5'-AGCGCGGACCCTACGGCCGGGGCGGGACTTCCGGCAAGGCGCGGAAGCGGCGGTAGCTGC[A>C]GCTGGCGAAGTTGGGCGACTGGCGGATGCAGGCCTTGCGGCACGTCGTGTGCGCCCTGTC-3'